The following is an entry in ClinVar:

ClinVar aggregate classification (germline): Benign. Review status: criteria provided, single submitter (1 of 4 stars). 2 submissions from 1 submitter: Benign (2). Last evaluated 2018-01-12.

Conditions:
Hypophosphatemic rickets, autosomal recessive, 2 (ARHR2). Identifiers: Orphanet 289176, MedGen C2750078, MONDO:0013219, OMIM 613312.
Arterial calcification, generalized, of infancy, 1 (GACI1). Also called: Idiopathic Infantile Arterial Calcification. Identifiers: Orphanet 51608, MedGen C4551985, MONDO:0008817, OMIM 208000.

Allele frequency attached by ClinVar (database versions not stated): gnomAD exomes 0.04134; gnomAD 0.10942; 1000 Genomes Project 0.11621; 1000 Genomes Project 30x 0.12164; TOPMed 0.12334.
gnomAD v4.1: 19,727 of 200,502 alleles (9.8%); highest among the groups gnomAD compares: African/African-American, 29%; 2,043 homozygotes.

Submissions (2):

Illumina Laboratory Services, Illumina
Classification: Benign for Hypophosphatemic rickets, autosomal recessive, 2. Last evaluated: 2018-01-12. Review status: criteria provided, single submitter. Criteria: ICSL Variant Classification Criteria 13 December 2019. Collection method: clinical testing. Allele origin: germline.
Comment: This variant was observed in the ICSL laboratory as part of a predisposition screen in an ostensibly healthy population. It had not been previously curated by ICSL or reported in the Human Gene Mutation Database (HGMD: prior to June 1st, 2018), and was therefore a candidate for classification through an automated scoring system. Utilizing variant allele frequency, disease prevalence and penetrance estimates, and inheritance mode, an automated score was calculated to assess if this variant is too frequent to cause the disease. Based on the score and internal cut-off values, a variant classified as benign is not then subjected to further curation. The score for this variant resulted in a classification of benign for this disease.

Illumina Laboratory Services, Illumina
Classification: Benign for Arterial calcification, generalized, of infancy, 1. Last evaluated: 2018-01-12. Review status: criteria provided, single submitter. Criteria: ICSL Variant Classification Criteria 13 December 2019. Collection method: clinical testing. Allele origin: germline.
Comment: the same text as in the submission from Illumina Laboratory Services, Illumina above.

NM_006208.3(ENPP1):c.*389G>A

Gene: ENPP1 (ectonucleotide pyrophosphatase/phosphodiesterase 1; plus strand). Cytogenetic location: 6q23.2.
Variant type: single nucleotide variant.
Coding change: c.*389G>A on transcript NM_006208.3 (MANE Select); 389 bases downstream of the stop codon, G replaced by A.
Molecular consequence: 3 prime UTR variant.
Genome position (GRCh38, 1-based): chr6:131,890,900, G>A. VCF-style: chr6-131890900-G-A. GRCh37 (hg19) VCF-style: chr6-132212040-G-A.
Identifiers: ClinVar variation 355360 (VCV000355360.5), dbSNP rs553, ClinGen allele CA10625939.